The following is an entry in ClinVar:

NM_198428.3(BBS9):c.2612C>T (p.Thr871Ile)

Gene: BBS9 (Bardet-Biedl syndrome 9; plus strand). Cytogenetic location: 7p14.3.
Variant type: single nucleotide variant.
Coding change: c.2612C>T on transcript NM_198428.3 (MANE Select); coding-DNA position 2612, C replaced by T.
Protein change: p.Thr871Ile; replaces threonine 871 with isoleucine.
Molecular consequence: missense variant. On other transcripts: non-coding transcript variant (3), intron variant (1).
Genome position (GRCh38, 1-based): chr7:33,604,955, C>T. VCF-style: chr7-33604955-C-T. GRCh37 (hg19) VCF-style: chr7-33644567-C-T.
Other names: c.2507C>T, p.Thr836Ile (NM_001033604.2); c.2597C>T, p.Thr866Ile (NM_001033605.2); c.2612C>T, p.Thr871Ile (NM_001348036.1, NM_001348041.4, NM_001348043.3 and 1 more transcripts); c.2063C>T, p.Thr688Ile (NM_001348037.3); c.2339C>T, p.Thr780Ile (NM_001348038.3); c.2234C>T, p.Thr745Ile (NM_001348039.3); c.2492C>T, p.Thr831Ile (NM_001348040.3, NM_014451.4); c.2477C>T, p.Thr826Ile (NM_001348042.3); and 3 more; short protein forms T688I, T714I, T745I, T749I, T780I, T826I, T831I, T836I.
Identifiers: ClinVar variation 3045757 (VCV003045757.2), dbSNP rs1427121577, ClinGen allele CA367256561.

ClinVar aggregate classification (germline): Uncertain significance (0 of 4 stars; one submission).

Conditions:
BBS9-related disorder. Also called: BBS9-related condition.

gnomAD v4.1: 2 of 1,611,630 alleles (0.00012%); highest among the groups gnomAD compares: Non-Finnish European, 0.000085%; no homozygotes.

Submission:

PreventionGenetics, part of Exact Sciences
Classification: Uncertain significance for BBS9-related condition. Last evaluated: 2024-02-09. Review status: no assertion criteria provided. Collection method: clinical testing. Allele origin: germline.
Comment: The BBS9 c.2612C>T variant is predicted to result in the amino acid substitution p.Thr871Ile. To our knowledge, this variant has not been reported in the literature or in a large population database, indicating this variant is rare. At this time, the clinical significance of this variant is uncertain due to the absence of conclusive functional and genetic evidence.